The following is an entry in ClinVar:

NM_006922.4(SCN3A):c.2200G>A (p.Ala734Thr)

Gene: SCN3A (sodium voltage-gated channel alpha subunit 3; minus strand). Cytogenetic location: 2q24.3.
Variant type: single nucleotide variant.
Coding change: c.2200G>A on transcript NM_006922.4 (MANE Select); coding-DNA position 2200, G replaced by A.
Protein change: p.Ala734Thr; replaces alanine 734 with threonine.
Molecular consequence: missense variant.
Genome position (GRCh38, 1-based): chr2:165,138,070, C>T on the plus strand (G>A on the coding strand, the complement: SCN3A is on the minus strand). VCF-style: chr2-165138070-C-T. GRCh37 (hg19) VCF-style: chr2-165994580-C-T.
Other names: c.2053G>A, p.Ala685Thr (NM_001081676.2, NM_001081677.2); short protein forms A685T, A734T.
Identifiers: ClinVar variation 3650997 (VCV003650997.2).

ClinVar aggregate classification (germline): Uncertain significance (1 of 4 stars; one submission).

Submission:

Labcorp Genetics (formerly Invitae), Labcorp
Classification: Uncertain significance. Last evaluated: 2024-05-08. Review status: criteria provided, single submitter. Criteria: Invitae Variant Classification Sherloc (09022015). Collection method: clinical testing. Allele origin: germline.
Comment: This sequence change replaces alanine, which is neutral and non-polar, with threonine, which is neutral and polar, at codon 734 of the SCN3A protein (p.Ala734Thr). This variant is not present in population databases (gnomAD no frequency). This variant has not been reported in the literature in individuals affected with SCN3A-related conditions. Advanced modeling of protein sequence and biophysical properties (such as structural, functional, and spatial information, amino acid conservation, physicochemical variation, residue mobility, and thermodynamic stability) has been performed at Invitae for this missense variant, however the output from this modeling did not meet the statistical confidence thresholds required to predict the impact of this variant on SCN3A protein function. In summary, the available evidence is currently insufficient to determine the role of this variant in disease. Therefore, it has been classified as a Variant of Uncertain Significance.